The following is an entry in ClinVar:

NM_000466.3(PEX1):c.2135G>T (p.Ser712Ile)

Gene: PEX1 (peroxisomal biogenesis factor 1; minus strand). Cytogenetic location: 7q21.2.
Variant type: single nucleotide variant.
Coding change: c.2135G>T on transcript NM_000466.3 (MANE Select); coding-DNA position 2135, G replaced by T.
Protein change: p.Ser712Ile; replaces serine 712 with isoleucine.
Molecular consequence: missense variant.
Genome position (GRCh38, 1-based): chr7:92,503,132, C>A on the plus strand (G>T on the coding strand, the complement: PEX1 is on the minus strand). VCF-style: chr7-92503132-C-A. GRCh37 (hg19) VCF-style: chr7-92132446-C-A.
Other names: c.1964G>T, p.Ser655Ile (NM_001282677.2); c.1511G>T, p.Ser504Ile (NM_001282678.2); short protein forms S655I, S504I, S712I.
Identifiers: ClinVar variation 1971837 (VCV001971837.2), dbSNP rs1281772090, ClinGen allele CA368181784.

ClinVar aggregate classification (germline): Uncertain significance (1 of 4 stars; one submission).

Conditions:
Zellweger spectrum disorders (ZS). Also called: Zellweger Spectrum Disorder; Zellweger Spectrum; Zellweger Spectrum Disorder (ZSD); Zellweger syndrome. Identifiers: Orphanet 912, MedGen C0043459, MONDO:0019609.

Allele frequency attached by ClinVar (database versions not stated): gnomAD exomes below 0.00001; gnomAD 0.00001.
gnomAD v4.1: 2 of 1,613,290 alleles (0.00012%); highest among the groups gnomAD compares: Non-Finnish European, 0.00017%; no homozygotes.

Submission:

Labcorp Genetics (formerly Invitae), Labcorp
Classification: Uncertain significance for Zellweger spectrum disorders. Last evaluated: 2021-09-26. Review status: criteria provided, single submitter. Criteria: Invitae Variant Classification Sherloc (09022015). Collection method: clinical testing. Allele origin: germline.
Comment: This sequence change replaces serine with isoleucine at codon 712 of the PEX1 protein (p.Ser712Ile). The serine residue is moderately conserved and there is a large physicochemical difference between serine and isoleucine. This variant is not present in population databases (ExAC no frequency). This variant has not been reported in the literature in individuals affected with PEX1-related conditions. Algorithms developed to predict the effect of missense changes on protein structure and function are either unavailable or do not agree on the potential impact of this missense change (SIFT: "Tolerated"; PolyPhen-2: "Possibly Damaging"; Align-GVGD: "Class C0"). In summary, the available evidence is currently insufficient to determine the role of this variant in disease. Therefore, it has been classified as a Variant of Uncertain Significance.